The following is an entry in ClinVar:

NM_001369.3(DNAH5):c.9010C>A (p.Gln3004Lys)

Gene: DNAH5 (dynein axonemal heavy chain 5; minus strand). Cytogenetic location: 5p15.2.
Variant type: single nucleotide variant.
Coding change: c.9010C>A on transcript NM_001369.3 (MANE Select); coding-DNA position 9010, C replaced by A.
Protein change: p.Gln3004Lys; replaces glutamine 3004 with lysine.
Molecular consequence: missense variant.
Genome position (GRCh38, 1-based): chr5:13,777,297, G>T on the plus strand (C>A on the coding strand, the complement: DNAH5 is on the minus strand). VCF-style: chr5-13777297-G-T. GRCh37 (hg19) VCF-style: chr5-13777406-G-T.
Other names: short protein forms Q3004K.
Identifiers: ClinVar variation 850902 (VCV000850902.8), dbSNP rs1754241068, ClinGen allele CA359211051.
Genomic context (GRCh38, chr5:13,777,297, plus strand): 5'-AAAATGACTCATCTTTAATCTCATTGTCTGTGAAAATAAAAGTGATTCCTTTGCCTTGCT[G>T]ACCAGCTGTTCGATACAAAACCTTCAGATCTTCCATCAGATTTGATGTGTTGTAGGATCT-3'
Protein context (NP_001360.1, residues 2994-3014): DLKVLYRTAG[Gln3004Lys]QGKGITFIFT

ClinVar aggregate classification (germline): Uncertain significance (1 of 4 stars; one submission).

Conditions:
Primary ciliary dyskinesia. Also called: Ciliary dyskinesia. Identifiers: Orphanet 244, MedGen C0008780, MONDO:0016575, HP:0012265.

Submission:

Labcorp Genetics (formerly Invitae), Labcorp
Classification: Uncertain significance for Primary ciliary dyskinesia. Last evaluated: 2019-03-15. Review status: criteria provided, single submitter. Criteria: Invitae Variant Classification Sherloc (09022015). Collection method: clinical testing. Allele origin: germline.
Comment: This variant has not been reported in the literature in individuals with DNAH5-related conditions. Algorithms developed to predict the effect of missense changes on protein structure and function (SIFT, PolyPhen-2, Align-GVGD) all suggest that this variant is likely to be tolerated, but these predictions have not been confirmed by published functional studies and their clinical significance is uncertain. In summary, the available evidence is currently insufficient to determine the role of this variant in disease. Therefore, it has been classified as a Variant of Uncertain Significance. This variant is not present in population databases (ExAC no frequency). This sequence change replaces glutamine with lysine at codon 3004 of the DNAH5 protein (p.Gln3004Lys). The glutamine residue is moderately conserved and there is a small physicochemical difference between glutamine and lysine.